The following is an entry in ClinVar:

NM_002465.4(MYBPC1):c.192C>T (p.Val64=)

Gene: MYBPC1 (myosin binding protein C1; plus strand). Cytogenetic location: 12q23.2.
Variant type: single nucleotide variant.
Coding change: c.192C>T on transcript NM_002465.4 (MANE Select); coding-DNA position 192, C replaced by T.
Protein change: p.Val64=; no amino-acid change (valine 64 retained).
Molecular consequence: synonymous variant.
Genome position (GRCh38, 1-based): chr12:101,629,447, C>T. VCF-style: chr12-101629447-C-T. GRCh37 (hg19) VCF-style: chr12-102023225-C-T.
Other names: c.117C>T, p.Val39= (NM_001254718.3, NM_001254719.3, NM_001254721.3 and 4 more transcripts); c.81C>T, p.Val27= (NM_001254720.3); c.39C>T, p.Val13= (NM_001254722.3, NM_001404677.1, NM_001404679.1 and 2 more transcripts); c.78C>T, p.Val26= (NM_001254723.3); c.192C>T, p.Val64= (NM_001404675.1, NM_206819.4).
Identifiers: ClinVar variation 306719 (VCV000306719.26), dbSNP rs143380884, ClinGen allele CA6744445.

ClinVar aggregate classification (germline): Benign/Likely benign. Review status: criteria provided, multiple submitters, no conflicts (2 of 4 stars). 3 submissions from 3 submitters: Benign (1); Likely benign (2). Last evaluated 2024-08-01.

Conditions:
Arthrogryposis, distal, type 1B. Identifiers: Orphanet 1146, MedGen C3280526, MONDO:0013698, OMIM 614335.

Allele frequency attached by ClinVar (database versions not stated): gnomAD 0.00017 and 0.00020; TOPMed 0.00020; ESP Exome Variant Server 0.00031; gnomAD exomes 0.00009 and 0.00014; ExAC 0.00012.
gnomAD v4.1: 237 of 1,612,030 alleles (0.015%); highest among the groups gnomAD compares: African/African-American, 0.035%; 1 homozygote.

Submissions (3):

CeGaT Center for Human Genetics Tuebingen
Classification: Likely benign. Last evaluated: 2024-08-01. Review status: criteria provided, single submitter. Criteria: CeGaT Center For Human Genetics Tuebingen Variant Classification Criteria Version 2. Collection method: clinical testing. Allele origin: germline. Affected: yes. Observed: 1 variant allele.
Comment: MYBPC1: BP4, BP7

Illumina Laboratory Services, Illumina
Classification: Benign for Arthrogryposis, distal, type 1B. Last evaluated: 2018-01-12. Review status: criteria provided, single submitter. Criteria: ICSL Variant Classification Criteria 13 December 2019. Collection method: clinical testing. Allele origin: germline.
Comment: This variant was observed in the ICSL laboratory as part of a predisposition screen in an ostensibly healthy population. It had not been previously curated by ICSL or reported in the Human Gene Mutation Database (HGMD: prior to June 1st, 2018), and was therefore a candidate for classification through an automated scoring system. Utilizing variant allele frequency, disease prevalence and penetrance estimates, and inheritance mode, an automated score was calculated to assess if this variant is too frequent to cause the disease. Based on the score and internal cut-off values, a variant classified as benign is not then subjected to further curation. The score for this variant resulted in a classification of benign for this disease.

Labcorp Genetics (formerly Invitae), Labcorp
Classification: Likely benign. Last evaluated: 2017-06-16. Review status: criteria provided, single submitter. Criteria: Invitae Variant Classification Sherloc (09022015). Collection method: clinical testing. Allele origin: germline.